The following is an entry in ClinVar:

NM_001127222.2(CACNA1A):c.4866+6T>A

Gene: CACNA1A (calcium voltage-gated channel subunit alpha1 A; minus strand). Cytogenetic location: 19p13.13.
Variant type: single nucleotide variant.
Coding change: c.4866+6T>A on transcript NM_001127222.2 (MANE Select); 6 bases into the intron after coding-DNA position 4866, T replaced by A.
Molecular consequence: intron variant.
Genome position (GRCh38, 1-based): chr19:13,252,985, A>T on the plus strand (T>A on the coding strand, the complement: CACNA1A is on the minus strand). VCF-style: chr19-13252985-A-T. GRCh37 (hg19) VCF-style: chr19-13363799-A-T.
Other names: c.4869+6T>A (NM_001127221.2, NM_001174080.2); c.4878+6T>A (NM_000068.4, NM_023035.3).
Identifiers: ClinVar variation 948675 (VCV000948675.10), dbSNP rs757178835, ClinGen allele CA9239925.

ClinVar aggregate classification (germline): Uncertain significance (1 of 4 stars; one submission).

Conditions:
Developmental and epileptic encephalopathy, 42 (DEE42A). Also called: DEVELOPMENTAL AND EPILEPTIC ENCEPHALOPATHY 42A; EPILEPTIC ENCEPHALOPATHY, EARLY INFANTILE, 42A; Epileptic encephalopathy, early infantile, 42. Identifiers: MedGen C4310716, MONDO:0014917, OMIM 617106.
Episodic ataxia type 2 (EA2). Also called: ATAXIA, EPISODIC, WITH NYSTAGMUS; ATAXIA, FAMILIAL PAROXYSMAL; CEREBELLAR ATAXIA, PAROXYSMAL, ACETAZOLAMIDE-RESPONSIVE; ACETAZOLAMIDE-RESPONSIVE HEREDITARY PAROXYSMAL CEREBELLAR ATAXIA; CEREBELLOPATHY, HEREDITARY PAROXYSMAL; EPISODIC ATAXIA, NYSTAGMUS-ASSOCIATED. Identifiers: Orphanet 97, MedGen C1720416, MONDO:0007163, OMIM 108500.

Allele frequency attached by ClinVar (database versions not stated): TOPMed below 0.00001; ExAC 0.00002; gnomAD 0.00001; gnomAD exomes 0.00001.
gnomAD v4.1: 10 of 1,586,220 alleles (0.00063%); highest among the groups gnomAD compares: South Asian, 0.0077%; no homozygotes.

Submission:

Labcorp Genetics (formerly Invitae), Labcorp
Classification: Uncertain significance for Developmental and epileptic encephalopathy, 42; Episodic ataxia type 2. Last evaluated: 2023-09-21. Review status: criteria provided, single submitter. Criteria: Invitae Variant Classification Sherloc (09022015). Collection method: clinical testing. Allele origin: germline.
Comment: In summary, the available evidence is currently insufficient to determine the role of this variant in disease. Therefore, it has been classified as a Variant of Uncertain Significance. Variants that disrupt the consensus splice site are a relatively common cause of aberrant splicing (PMID: 17576681, 9536098). Algorithms developed to predict the effect of sequence changes on RNA splicing suggest that this variant is not likely to affect RNA splicing. This variant is present in population databases (rs757178835, gnomAD 0.01%). This variant has not been reported in the literature in individuals affected with CACNA1A-related conditions. This sequence change falls in intron 30 of the CACNA1A gene. It does not directly change the encoded amino acid sequence of the CACNA1A protein. It affects a nucleotide within the consensus splice site. ClinVar contains an entry for this variant (Variation ID: 948675).

Literature cited by the submitters: PubMed 17576681; PubMed 9536098.